The following is an entry in ClinVar:

NM_001042492.3(NF1):c.2500C>G (p.Leu834Val)

Gene: NF1 (neurofibromin 1; plus strand). Cytogenetic location: 17q11.2.
Variant type: single nucleotide variant.
Coding change: c.2500C>G on transcript NM_001042492.3 (MANE Select); coding-DNA position 2500, C replaced by G.
Protein change: p.Leu834Val; replaces leucine 834 with valine.
Molecular consequence: missense variant.
Genome position (GRCh38, 1-based): chr17:31,229,115, C>G. VCF-style: chr17-31229115-C-G. GRCh37 (hg19) VCF-style: chr17-29556133-C-G.
Other names: c.2500C>G, p.Leu834Val (NM_000267.4); short protein forms L834V.
Identifiers: ClinVar variation 2862164 (VCV002862164.3), dbSNP rs1597715242, ClinGen allele CA398984094.

ClinVar aggregate classification (germline): Uncertain significance (1 of 4 stars; one submission).

Conditions:
Neurofibromatosis, type 1 (NF1). Also called: Neurofibromatosis, type I; NEUROFIBROMATOSIS, TYPE I, SOMATIC; Peripheral type neurofibromatosis; VON RECKLINGHAUSEN DISEASE. Identifiers: Orphanet 636, MedGen C0027831, MONDO:0018975, OMIM 162200. Disease mechanism: loss of function.

Submission:

Labcorp Genetics (formerly Invitae), Labcorp
Classification: Uncertain significance for Neurofibromatosis, type 1. Last evaluated: 2023-07-07. Review status: criteria provided, single submitter. Criteria: Invitae Variant Classification Sherloc (09022015). Collection method: clinical testing. Allele origin: germline.
Comment: In summary, the available evidence is currently insufficient to determine the role of this variant in disease. Therefore, it has been classified as a Variant of Uncertain Significance. Advanced modeling of protein sequence and biophysical properties (such as structural, functional, and spatial information, amino acid conservation, physicochemical variation, residue mobility, and thermodynamic stability) performed at Invitae indicates that this missense variant is not expected to disrupt NF1 protein function. This variant has not been reported in the literature in individuals affected with NF1-related conditions. This variant is not present in population databases (gnomAD no frequency). This sequence change replaces leucine, which is neutral and non-polar, with valine, which is neutral and non-polar, at codon 834 of the NF1 protein (p.Leu834Val).